The following is an entry in ClinVar:

ClinVar aggregate classification (germline): Uncertain significance (1 of 4 stars; one submission).

Conditions:
Progressive familial heart block type IB (PFHB1B). Identifiers: Orphanet 871, MedGen C1970298, MONDO:0011474, OMIM 604559.

Submission:

Labcorp Genetics (formerly Invitae), Labcorp
Classification: Uncertain significance for Progressive familial heart block type IB. Last evaluated: 2022-07-22. Review status: criteria provided, single submitter. Criteria: Invitae Variant Classification Sherloc (09022015). Collection method: clinical testing. Allele origin: germline.
Comment: In summary, the available evidence is currently insufficient to determine the role of this variant in disease. Therefore, it has been classified as a Variant of Uncertain Significance. Algorithms developed to predict the effect of missense changes on protein structure and function are either unavailable or do not agree on the potential impact of this missense change (SIFT: "Not Available"; PolyPhen-2: "Probably Damaging"; Align-GVGD: "Not Available"). This variant has not been reported in the literature in individuals affected with TRPM4-related conditions. Information on the frequency of this variant in the gnomAD database is not available, as this variant may be reported differently in the database. This sequence change replaces phenylalanine, which is neutral and non-polar, with alanine, which is neutral and non-polar, at codon 666 of the TRPM4 protein (p.Phe666Ala).

NM_017636.4(TRPM4):c.1996_1997delinsGC (p.Phe666Ala)

Gene: TRPM4 (transient receptor potential cation channel subfamily M member 4; plus strand). Cytogenetic location: 19q13.33.
Variant type: Indel.
Coding change: c.1996_1997delinsGC on transcript NM_017636.4 (MANE Select); coding-DNA positions 1996 to 1997, TT replaced by GC.
Protein change: p.Phe666Ala; replaces phenylalanine 666 with alanine.
Molecular consequence: missense variant.
Genome position (GRCh38, 1-based): chr19:49,189,068-49,189,069, TT replaced by GC. VCF-style: chr19-49189068-TT-GC. GRCh37 (hg19) VCF-style: chr19-49692325-TT-GC.
Other names: c.1996_1997delinsGC, p.Phe666Ala (NM_001195227.2); c.1651_1652delinsGC, p.Phe551Ala (NM_001321281.2); c.388_389delinsGC, p.Phe130Ala (NM_001321282.2); c.1474_1475delinsGC, p.Phe492Ala (NM_001321283.2); c.934_935delinsGC, p.Phe312Ala (NM_001321285.2); short protein forms F130A, F312A, F492A, F551A, F666A.
Identifiers: ClinVar variation 1713385 (VCV001713385.5), dbSNP rs2514144547, ClinGen allele CA2580097541.